The following is an entry in ClinVar:

ClinVar aggregate classification (germline): Conflicting classifications of pathogenicity. Review status: criteria provided, conflicting classifications (1 of 4 stars). 17 submissions from 17 submitters: Uncertain significance (10); Benign (2); Likely benign (4). 1 of the submissions does not count toward it. Last evaluated 2026-04-03.

Conditions:
STK11-related disorder. Also called: STK11-related condition.
Hereditary cancer-predisposing syndrome. Also called: Tumor predisposition; Hereditary neoplastic syndrome; Hereditary Cancer Syndrome; Neoplastic Syndromes, Hereditary. Identifiers: Orphanet 140162, MedGen C0027672, MeSH D009386, MONDO:0015356.
Peutz-Jeghers syndrome (PJS). Also called: Peutz-Jeghers polyposis; Periorificial lentiginosis syndrome; POLYPOSIS, HAMARTOMATOUS INTESTINAL; POLYPS-AND-SPOTS SYNDROME. Identifiers: Orphanet 2869, MedGen C0031269, MeSH D010580, MONDO:0008280, OMIM 175200.

Allele frequency attached by ClinVar (database versions not stated): ExAC 0.00001; gnomAD exomes 0.00002 and 0.00021; gnomAD 0.00005 and 0.00006; ESP Exome Variant Server 0.00008; TOPMed 0.00008.
gnomAD v4.1: 308 of 1,610,488 alleles (0.019%); highest among the groups gnomAD compares: Non-Finnish European, 0.025%; no homozygotes.

Submissions (17):

PreventionGenetics, part of Exact Sciences
Classification: Likely benign for STK11-related condition. Last evaluated: 2026-04-03. Review status: criteria provided, single submitter. Criteria: ACMG Guidelines, 2015. Collection method: clinical testing. Allele origin: germline.
Comment: This variant is classified as likely benign based on ACMG/AMP sequence variant interpretation guidelines (Richards et al. 2015 PMID: 25741868, with internal and published modifications).

Labcorp Genetics (formerly Invitae), Labcorp
Classification: Benign for Peutz-Jeghers syndrome. Last evaluated: 2026-01-28. Review status: criteria provided, single submitter. Criteria: Invitae Variant Classification Sherloc (09022015). Collection method: clinical testing. Allele origin: germline.

Women's Health and Genetics/Laboratory Corporation of America, LabCorp
Classification: Likely benign. Last evaluated: 2025-06-30. Review status: criteria provided, single submitter. Criteria: LabCorp Variant Classification Summary - May 2015. Collection method: clinical testing. Allele origin: germline.
Comment: Variant summary: STK11 c.1027G>A (p.Asp343Asn) results in a conservative amino acid change in the encoded protein sequence. Algorithms developed to predict the effect of missense changes on protein structure and function are either unavailable or do not agree on the potential impact of this missense change. The variant allele was found at a frequency of 0.00018 in 1708062 control chromosomes. The observed variant frequency is approximately 28.94 fold of the estimated maximal expected allele frequency for a pathogenic variant in STK11 causing Peutz-Jeghers Syndrome phenotype (6.3e-06). c.1027G>A has been reported in the literature in individuals affected with breast cancer (Momozawa_2018, Weitzel_2019) as well as in controls (Okawa_2023). These report(s) do not provide unequivocal conclusions about association of the variant with Peutz-Jeghers Syndrome. To our knowledge, no experimental evidence demonstrating an impact on protein function has been reported. The following publications have been ascertained in the context of this evaluation (PMID: 30883245, 26354930, 30287823, 36243179, 31206626, 25742471, 26580448). ClinVar contains an entry for this variant (Variation ID: 140986). Based on the evidence outlined above, the variant was classified as likely benign.

Color Diagnostics, LLC DBA Color Health
Classification: Benign for Hereditary cancer-predisposing syndrome. Last evaluated: 2025-03-04. Review status: criteria provided, single submitter. Criteria: ACMG Guidelines, 2015. Collection method: clinical testing. Allele origin: germline.

Quest Diagnostics Nichols Institute San Juan Capistrano
Classification: Likely benign. Last evaluated: 2025-02-20. Review status: criteria provided, single submitter. Criteria: Quest Diagnostics criteria. Collection method: clinical testing. Allele origin: unknown.

All of Us Research Program, National Institutes of Health
Classification: Uncertain significance for Peutz-Jeghers syndrome. Last evaluated: 2024-06-09. Review status: criteria provided, single submitter. Criteria: ACMG Guidelines, 2015. Collection method: clinical testing. Allele origin: germline. Inheritance: Autosomal dominant inheritance. Observed: 25 variant alleles, 25 heterozygotes.
Comment: This missense variant replaces aspartic acid with asparagine at codon 343 of the STK11 protein. Computational prediction suggests that this variant may not impact protein structure and function (internally defined REVEL score threshold <= 0.5, PMID: 27666373). Splice site prediction tools suggest that this variant may not impact RNA splicing. To our knowledge, functional studies have not been performed for this variant. This variant has been observed in individuals affected with an unspecified cancer (PMID: 25742471), pediatric medulloblastoma (PMID: 26580448), prostate cancer (PMID: 31214711), and breast cancer (PMID: 31214711, 33471991), but also in unaffected controls (PMID: 33471991). This variant has also been reported in four individuals age 70 years or older without cancer (FLOSSIES database). This variant has been identified in 5/242452 chromosomes in the general population by the Genome Aggregation Database (gnomAD). The available evidence is insufficient to determine the role of this variant in disease conclusively. Therefore, this variant is classified as a Variant of Uncertain Significance.

This study involves interpretation of variants in research participants for the purpose of population health screening. Participant phenotype was not available at the time of variant classification. Additional details can be found in publication PMID: 35346344, PMCID: PMC8962531

St. Jude Molecular Pathology, St. Jude Children's Research Hospital
Classification: Uncertain significance for Peutz-Jeghers syndrome. Last evaluated: 2024-03-08. Review status: criteria provided, single submitter. Criteria: St. Jude Assertion Criteria 2020. Collection method: clinical testing. Allele origin: germline.
Comment: The STK11 c.1027G>A (p.Asp343Asn) missense change has a maximum subpopulation frequency of 0.005% in gnomAD v2.1.1. The in silico tool REVEL predicts a benign effect on protein function, but to our knowledge this prediction has not been confirmed by functional studies. To our knowledge, this variant has not been reported in individuals with Peutz-Jeghers syndrome. In summary, the evidence currently available is insufficient to determine the clinical significance of this variant. It has therefore been classified as of uncertain significance.

CeGaT Center for Human Genetics Tuebingen
Classification: Uncertain significance. Last evaluated: 2023-10-01. Review status: criteria provided, single submitter. Criteria: CeGaT Center For Human Genetics Tuebingen Variant Classification Criteria Version 2. Collection method: clinical testing. Allele origin: germline. Affected: yes. Observed: 1 variant allele.
Comment: STK11: PM2:Supporting

Blueprint Genetics
Classification: Uncertain significance. Last evaluated: 2023-05-04. Review status: criteria provided, single submitter. Criteria: ACMG Guidelines, 2015. Collection method: clinical testing. Allele origin: germline.

GeneDx
Classification: Uncertain significance. Last evaluated: 2023-02-01. Review status: criteria provided, single submitter. Criteria: GeneDx Variant Classification Process June 2021. Collection method: clinical testing. Allele origin: germline. Affected: yes.
Comment: Not observed at significant frequency in large population cohorts (gnomAD); In silico analysis supports that this missense variant does not alter protein structure/function; Observed in individuals with breast cancer or medulloblastoma and also in unaffected controls (Zhang et al., 2015; Momozawa et al., 2018; Dorling et al., 2021); This variant is associated with the following publications: (PMID: 27043212, 26354930, 25742471, 26580448, 28492532, 30287823, 29106415, 29325035, 34746883, 33471991, 28900777, 30883245)

Mayo Clinic Laboratories, Mayo Clinic
Classification: Uncertain significance. Last evaluated: 2022-11-23. Review status: criteria provided, single submitter. Criteria: ACMG Guidelines, 2015. Collection method: clinical testing. Allele origin: germline. Observed: 1 variant allele.
Comment: BP4

MGZ Medical Genetics Center
Classification: Uncertain significance for Peutz-Jeghers syndrome. Last evaluated: 2022-06-09. Review status: criteria provided, single submitter. Criteria: ACMG Guidelines, 2015. Collection method: clinical testing. Allele origin: germline. Affected: yes. Observed: 1 variant allele.
Comment: ACMG criteria applied: PM2_SUP, BP4

Department of Pathology and Laboratory Medicine, Sinai Health System
Classification: Uncertain significance for Peutz-Jeghers syndrome. Last evaluated: 2022-01-20. Review status: criteria provided, single submitter. Criteria: ACMG Guidelines, 2015. Collection method: clinical testing. Allele origin: germline. Affected: yes.

Genome-Nilou Lab
Classification: Uncertain significance for Peutz-Jeghers syndrome. Last evaluated: 2021-07-15. Review status: criteria provided, single submitter. Criteria: ACMG Guidelines, 2015. Collection method: clinical testing. Allele origin: germline. Affected: no.

Sema4
Classification: Uncertain significance for Hereditary cancer-predisposing syndrome. Last evaluated: 2021-06-28. Review status: criteria provided, single submitter. Criteria: Sema4 Curation Guidelines. Collection method: curation. Allele origin: germline.
Comment: The STK11 c.1027G>A (p.D343N) variant has been reported in an individual with breast cancer (PMID 30287823), and as a somatic variant in individuals with colon, non-small cell lung cancer, and head and neck cancer (PMIDs 26354930, 29325035, 25742471). This variant was observed in 5/109740 chromosomes in Non-Finnish European population, according to the Genome Aggregation Database (PMID: 32461654). This variant has been reported in ClinVar (Variation ID 140986). In silico tools suggest the impact of the variant on protein function is inconclusive, though these predictions have not been confirmed by functional studies. The overall evidence is insufficient to meet ACMG/AMP criteria for classifying it as benign or pathogenic. In summary, the clinical significance of this variant is currently uncertain.

Ambry Genetics
Classification: Likely benign for Hereditary cancer-predisposing syndrome. Last evaluated: 2021-05-20. Review status: criteria provided, single submitter. Criteria: Ambry Variant Classification Scheme 2023. Collection method: clinical testing. Allele origin: germline.

True Health Diagnostics
Classification: Uncertain significance for Hereditary cancer-predisposing syndrome. Last evaluated: 2018-01-12. Review status: no assertion criteria provided. Collection method: clinical testing. Allele origin: germline. Not counted in ClinVar's aggregate classification.

Literature cited by the submitters: PubMed 25742471 (cited by 4 submitters); PubMed 26580448 (cited by 5 submitters); PubMed 26354930 (cited by Women's Health and Genetics/Laboratory Corporation of America, LabCorp and Quest Diagnostics Nichols Institute San Juan Capistrano); PubMed 30287823 (cited by 6 submitters); PubMed 30883245 (cited by Women's Health and Genetics/Laboratory Corporation of America, LabCorp and Ambry Genetics); PubMed 31206626 (cited by Women's Health and Genetics/Laboratory Corporation of America, LabCorp); PubMed 36243179 (cited by Women's Health and Genetics/Laboratory Corporation of America, LabCorp and Quest Diagnostics Nichols Institute San Juan Capistrano); PubMed 29325035 (cited by Quest Diagnostics Nichols Institute San Juan Capistrano); PubMed 27043212 (cited by Quest Diagnostics Nichols Institute San Juan Capistrano); PubMed 33471991 (cited by 3 submitters); PubMed 31214711 (cited by All of Us Research Program, National Institutes of Health).

NM_000455.5(STK11):c.1027G>A (p.Asp343Asn)

Genes: STK11 (serine/threonine kinase 11; plus strand), LOC130062899 (ATAC-STARR-seq lymphoblastoid active region 13597; plus strand). Cytogenetic location: 19p13.3.
Variant type: single nucleotide variant.
Coding change: c.1027G>A on transcript NM_000455.5 (MANE Select); coding-DNA position 1027, G replaced by A.
Protein change: p.Asp343Asn; replaces aspartic acid 343 with asparagine.
Molecular consequence: missense variant.
Genome position (GRCh38, 1-based): chr19:1,223,091, G>A. VCF-style: chr19-1223091-G-A. GRCh37 (hg19) VCF-style: chr19-1223090-G-A.
Other names: p.D343N:GAC>AAC; short protein forms D343N.
Identifiers: ClinVar variation 140986 (VCV000140986.69), dbSNP rs368547224, ClinGen allele CA022175.